The following is an entry in ClinVar:

ClinVar aggregate classification (germline): Pathogenic (1 of 4 stars; one submission).

Conditions:
Mirror movements 1 (MRMV1). Identifiers: Orphanet 238722, MedGen C1834870, OMIM 157600, MONDO:0008002.

Submission:

Victorian Clinical Genetics Services, Murdoch Childrens Research Institute
Classification: Pathogenic for Mirror movements 1. Last evaluated: 2026-02-26. Review status: criteria provided, single submitter. Criteria: ACMG Guidelines, 2015. Collection method: clinical testing. Allele origin: germline. Affected: yes.
Comment: This variant is classified as Pathogenic. Evidence in support of pathogenic classification: Variant is predicted to cause nonsense-mediated decay (NMD) and loss of protein (premature termination codon is located at least 54 nucleotides upstream of the final exon-exon junction); Variant is absent from gnomAD (v2, v3 and v4); Other NMD-predicted variants comparable to the one identified in this case have very strong previous evidence for pathogenicity (DECIPHER). Additional information: This variant is heterozygous; This gene is associated with both recessive and dominant disease. Biallelic loss of function variants cause autosomal recessive gaze palsy, familial horizontal, with progressive scoliosis, 2 (MIM#617542). Monoallelic loss of function variants cause the less severe autosomal dominant mirror movements 1 and/or agenesis of the corpus callosum (MIM#157600; PMIDs: 33141514, 31697046); This variant has no previous evidence of pathogenicity; No published evidence of segregation with disease has been identified for this variant; No published functional evidence has been identified for this variant; Loss of function is a known mechanism of disease in this gene and is associated with gaze palsy, familial horizontal, with progressive scoliosis, 2 (MIM#617542), and mirror movements 1 and/or agenesis of the corpus callosum (MIM#157600); The condition associated with this gene has incomplete penetrance. The penetrance for mirror movements is approximately 42% (PMID: 25763452), and approximately 26% for agenesis of the corpus callosum (OMIM); Variants in this gene are known to have variable expressivity. Intrafamilial variability has been reported for autosomal dominant mirror movements 1 and/or agenesis of the corpus callosum (MIM#157600).

Literature cited by the submitters: PubMed 33141514; PubMed 31697046; PubMed 25763452.

NM_005215.4(DCC):c.2690C>G (p.Ser897Ter)

Gene: DCC (DCC netrin 1 receptor; plus strand). Cytogenetic location: 18q21.2.
Variant type: single nucleotide variant.
Coding change: c.2690C>G on transcript NM_005215.4 (MANE Select); coding-DNA position 2690, C replaced by G.
Protein change: p.Ser897Ter; replaces serine 897 with a stop codon.
Molecular consequence: nonsense.
Genome position (GRCh38, 1-based): chr18:53,397,309, C>G. VCF-style: chr18-53397309-C-G. GRCh37 (hg19) VCF-style: chr18-50923679-C-G.
Other names: short protein forms S897*.
Identifiers: ClinVar variation 4845332 (VCV004845332.2).